The following is an entry in ClinVar:

ClinVar aggregate classification (germline): Uncertain significance (1 of 4 stars; one submission).

Submission:

Labcorp Genetics (formerly Invitae), Labcorp
Classification: Uncertain significance. Last evaluated: 2022-12-30. Review status: criteria provided, single submitter. Criteria: Invitae Variant Classification Sherloc (09022015). Collection method: clinical testing. Allele origin: germline.
Comment: In summary, the available evidence is currently insufficient to determine the role of this variant in disease. Therefore, it has been classified as a Variant of Uncertain Significance. Advanced modeling of protein sequence and biophysical properties (such as structural, functional, and spatial information, amino acid conservation, physicochemical variation, residue mobility, and thermodynamic stability) has been performed at Invitae for this missense variant, however the output from this modeling did not meet the statistical confidence thresholds required to predict the impact of this variant on TECTA protein function. This variant has not been reported in the literature in individuals affected with TECTA-related conditions. This variant is not present in population databases (gnomAD no frequency). This sequence change replaces threonine, which is neutral and polar, with proline, which is neutral and non-polar, at codon 2008 of the TECTA protein (p.Thr2008Pro).

NM_005422.4(TECTA):c.6022A>C (p.Thr2008Pro)

Genes: TBCEL-TECTA (TBCEL-TECTA readthrough; plus strand), TECTA (tectorin alpha; plus strand). Cytogenetic location: 11q23.3.
Variant type: single nucleotide variant.
Coding change: c.6022A>C on transcript NM_005422.4 (MANE Select); coding-DNA position 6022, A replaced by C.
Protein change: p.Thr2008Pro; replaces threonine 2008 with proline.
Molecular consequence: missense variant.
Genome position (GRCh38, 1-based): chr11:121,187,854, A>C. VCF-style: chr11-121187854-A-C. GRCh37 (hg19) VCF-style: chr11-121058563-A-C.
Other names: c.6964A>C, p.Thr2322Pro (NM_001378761.1); short protein forms T2322P, T2008P.
Identifiers: ClinVar variation 2825100 (VCV002825100.3), dbSNP rs2497021399, ClinGen allele CA383009572.
Genomic context (GRCh38, chr11:121,187,854, plus strand): 5'-ACATGTGAAGCAAAGATTCCATTATTTTTTCTGAATAGGTGTCAGAACCTCAAAGATAAC[A>C]CCATTGGCATCGAGGAGAATGCAGTCTCCCTGACCTGTCGCTTTCACGTCACCGTCTTTA-3'
Protein context (NP_005413.2, residues 1998-2018): EGGCQNLKDN[Thr2008Pro]IGIEENAVSL